The following is an entry in ClinVar:

NM_001278298.2(COL6A5):c.7554T>G (p.Gly2518=)

Gene: COL6A5 (collagen type VI alpha 5 chain; plus strand). Cytogenetic location: 3q22.1.
Variant type: single nucleotide variant.
Coding change: c.7554T>G on transcript NM_001278298.2 (MANE Select); coding-DNA position 7554, T replaced by G.
Protein change: p.Gly2518=; no amino-acid change (glycine 2518 retained).
Molecular consequence: synonymous variant. On other transcripts: non-coding transcript variant (1).
Genome position (GRCh38, 1-based): chr3:130,470,947, T>G. VCF-style: chr3-130470947-T-G. GRCh37 (hg19) VCF-style: chr3-130189791-T-G.
Other names: c.7554T>G, p.Gly2518= (NM_001412157.1, NM_153264.7).
Identifiers: ClinVar variation 2654136 (VCV002654136.24), dbSNP rs2472543199, ClinGen allele CA435634104.
Genomic context (GRCh38, chr3:130,470,947, plus strand): 5'-TCCCACCGAAGATATGAAAGCCACATGTGTTAACATGACCTCTCCCAACCCAGAGAACGG[T>G]GGCACAGAAAACACTGTATTGTGAGTTGAGAAATTCCAAGTTTGGGTAATACCACAACTG-3'
Protein context (NP_001265227.1, residues 2508-2528): VNMTSPNPEN[Gly2518=]GTENTVLLLP

ClinVar aggregate classification (germline): Likely benign (1 of 4 stars; one submission).

Submission:

CeGaT Center for Human Genetics Tuebingen
Classification: Likely benign. Last evaluated: 2023-01-01. Review status: criteria provided, single submitter. Criteria: CeGaT Center For Human Genetics Tuebingen Variant Classification Criteria Version 2. Collection method: clinical testing. Allele origin: germline. Affected: yes. Observed: 1 variant allele.
Comment: COL6A5: PM2:Supporting, BP4, BP7